The following is an entry in ClinVar:

ClinVar aggregate classification (germline): Uncertain significance (1 of 4 stars; one submission).

Conditions:
Dilated cardiomyopathy 1G (CMD1G). Identifiers: Orphanet 154, MedGen C1858763, MONDO:0011400, OMIM 604145.
Autosomal recessive limb-girdle muscular dystrophy type 2J (LGMDR10). Also called: Limb-girdle muscular dystrophy, type 2J; MUSCULAR DYSTROPHY, LIMB-GIRDLE, AUTOSOMAL RECESSIVE 10. Identifiers: Orphanet 140922, MedGen C1837342, MONDO:0012127, OMIM 608807.

Allele frequency attached by ClinVar (database versions not stated): gnomAD exomes below 0.00001; TOPMed 0.00004.
gnomAD v4.1: 9 of 1,613,852 alleles (0.00056%); highest among the groups gnomAD compares: Admixed American, 0.0033%; no homozygotes.

Submission:

Labcorp Genetics (formerly Invitae), Labcorp
Classification: Uncertain significance for Dilated cardiomyopathy 1G; Autosomal recessive limb-girdle muscular dystrophy type 2J. Last evaluated: 2025-11-12. Review status: criteria provided, single submitter. Criteria: Invitae Variant Classification Sherloc (09022015). Collection method: clinical testing. Allele origin: germline.
Comment: This sequence change replaces histidine, which is basic and polar, with glutamine, which is neutral and polar, at codon 35590 of the TTN protein (p.His35590Gln). This variant is present in population databases (no rsID available, gnomAD 0.007%). This variant has not been reported in the literature in individuals affected with TTN-related conditions. ClinVar contains an entry for this variant (Variation ID: 1037320). An algorithm developed to predict the effect of missense changes on protein structure and function outputs the following: PolyPhen-2: "Not Available". The glutamine amino acid residue is found in multiple mammalian species, which suggests that this missense change does not adversely affect protein function. This variant is located in the M band of TTN (PMID: 25589632). Non-truncating variants in this region may be relevant for neuromuscular disorders, but have not been definitively shown to cause cardiomyopathy (PMID: 23975875). In summary, the available evidence is currently insufficient to determine the role of this variant in disease. Therefore, it has been classified as a Variant of Uncertain Significance.

Literature cited by the submitters: PubMed 25589632; PubMed 23975875.

NM_001267550.2(TTN):c.106770T>G (p.His35590Gln)

Genes: TTN (titin; minus strand), TTN-AS1 (TTN antisense RNA 1; plus strand). Cytogenetic location: 2q31.2.
Variant type: single nucleotide variant.
Coding change: c.106770T>G on transcript NM_001267550.2 (MANE Select); coding-DNA position 106770, T replaced by G.
Protein change: p.His35590Gln; replaces histidine 35590 with glutamine.
Molecular consequence: missense variant.
Genome position (GRCh38, 1-based): chr2:178,528,981, A>C on the plus strand (T>G on the coding strand, the complement: TTN is on the minus strand). VCF-style: chr2-178528981-A-C. GRCh37 (hg19) VCF-style: chr2-179393708-A-C.
Other names: c.101847T>G, p.His33949Gln (NM_001256850.1); c.79575T>G, p.His26525Gln (NM_003319.4); c.99066T>G, p.His33022Gln (NM_133378.4); c.79950T>G, p.His26650Gln (NM_133432.3); c.80151T>G, p.His26717Gln (NM_133437.4); short protein forms H26525Q, H26717Q, H35590Q, H33949Q, H26650Q, H33022Q.
Identifiers: ClinVar variation 1037320 (VCV001037320.8), dbSNP rs1052651705, ClinGen allele CA60950667.
Genomic context (GRCh38, chr2:178,528,981, plus strand): 5'-TTTAATCTCAGCATGAGTTCTGACTTCTTCTGATGCCTGTGATGTTTTAGTGATTTCCTC[A>C]TGGACAATGGATTTTTCCAGGGAGGTTGCTGCTGATTTCTTGACTTCTTCAGAAATCAGA-3'
Protein context (NP_001254479.2, residues 35580-35600): AATSLEKSIV[His35590Gln]EEITKTSQAS